The following is an entry in ClinVar:

NM_007294.4(BRCA1):c.3563G>T (p.Arg1188Met)

Genes: BRCA1 (BRCA1 DNA repair associated; minus strand), LOC126862571 (BRD4-independent group 4 enhancer GRCh37_chr17:41243136-41244335; plus strand). Cytogenetic location: 17q21.31.
Variant type: single nucleotide variant.
Coding change: c.3563G>T on transcript NM_007294.4 (MANE Select); coding-DNA position 3563, G replaced by T.
Protein change: p.Arg1188Met; replaces arginine 1188 with methionine.
Molecular consequence: missense variant. On other transcripts: intron variant (135).
Genome position (GRCh38, 1-based): chr17:43,091,968, C>A on the plus strand (G>T on the coding strand, the complement: BRCA1 is on the minus strand). VCF-style: chr17-43091968-C-A. GRCh37 (hg19) VCF-style: chr17-41243985-C-A.
Other names: c.3350G>T, p.Arg1117Met (NM_001407571.1, NM_001407853.1, NM_001407894.1 and 9 more transcripts); c.3563G>T, p.Arg1188Met (NM_001407581.1, NM_001407582.1, NM_001407583.1 and 30 more transcripts); c.3560G>T, p.Arg1187Met (NM_001407587.1, NM_001407590.1, NM_001407591.1 and 22 more transcripts); c.3554G>T, p.Arg1185Met (NM_001407646.1, NM_001407647.1); c.3440G>T, p.Arg1147Met (NM_001407648.1, NM_001407664.1, NM_001407665.1 and 19 more transcripts); c.3437G>T, p.Arg1146Met (NM_001407649.1, NM_001407670.1, NM_001407671.1 and 11 more transcripts); c.3485G>T, p.Arg1162Met (NM_001407653.1, NM_001407654.1, NM_001407655.1 and 4 more transcripts); c.3482G>T, p.Arg1161Met (NM_001407659.1, NM_001407660.1, NM_001407661.1 and 1 more transcripts); and 41 more; short protein forms R1141M, R1188M, R1076M, R1099M, R1100M, R1020M, R1061M, R1077M.
Identifiers: ClinVar variation 1050301 (VCV001050301.4), dbSNP rs2154303009, ClinGen allele CA10594837.

ClinVar aggregate classification (germline): Likely benign. Review status: criteria provided, single submitter (1 of 4 stars). 2 submissions from 2 submitters: Likely benign (1). 1 of the submissions does not count toward it. Last evaluated 2023-03-23.

Conditions:
Hereditary cancer-predisposing syndrome. Also called: Tumor predisposition; Hereditary neoplastic syndrome; Hereditary Cancer Syndrome; Neoplastic Syndromes, Hereditary. Identifiers: Orphanet 140162, MedGen C0027672, MeSH D009386, MONDO:0015356.
Malignant tumor of breast. Also called: Malignant breast neoplasm; Cancer breast. Identifiers: MedGen C0006142, MONDO:0007254. Disease mechanism: loss of function.

Submissions (2):

University of Washington Department of Laboratory Medicine, University of Washington
Classification: Likely benign for Hereditary cancer-predisposing syndrome. Last evaluated: 2023-03-23. Review status: criteria provided, single submitter. Criteria: Dines et al. (Genet Med. 2020). Collection method: curation. Allele origin: germline.
Comment: Missense variant in a coldspot region where missense variants are very unlikely to be pathogenic (PMID:31911673).

BRCA1 coldspot (exon 11 using historical exon numbering). Reclassification based on statistical prior probability

Department of Pathology and Laboratory Medicine, Sinai Health System
Classification: Uncertain significance for Malignant tumor of breast. Review status: no assertion criteria provided. Collection method: clinical testing. Allele origin: unknown. Affected: yes. Study: The Canadian Open Genetics Repository (COGR). Not counted in ClinVar's aggregate classification.
Comment: The BRCA1 p.Arg1188Met variant was not identified in the literature nor was it identified in the dbSNP, ClinVar, LOVD 3.0, or UMD-LSDB, databases. The variant was not identified in the following control databases: the Exome Aggregation Consortium (August 8th 2016), or the Genome Aggregation Database (Feb 27, 2017). The p.Arg1188 residue is not conserved in mammals and computational analyses (PolyPhen-2, SIFT, AlignGVGD, BLOSUM, MutationTaster) provide inconsistent predictions regarding the impact to the protein; this information is not very predictive of pathogenicity. The variant occurs outside of the splicing consensus sequence and in silico or computational prediction software programs (SpliceSiteFinder, MaxEntScan, NNSPLICE, GeneSplicer) do not predict a difference in splicing. In summary, based on the above information the clinical significance of this variant cannot be determined with certainty at this time. This variant is classified as a variant of uncertain significance.